The following is an entry in ClinVar:

ClinVar aggregate classification (germline): Uncertain significance. Review status: criteria provided, multiple submitters, no conflicts (2 of 4 stars). 2 submissions from 2 submitters: Uncertain significance (2). Last evaluated 2024-03-18.

Conditions:
Colorectal cancer, susceptibility to, 1. Also called: COLORECTAL ADENOMA AND CANCER, SUSCEPTIBILITY TO; COLORECTAL CANCER, SUSCEPTIBILITY TO, ON CHROMOSOME 9. Identifiers: MedGen C1837315, MONDO:0012132, OMIM 608812.

Submissions (2):

Ambry Genetics
Classification: Uncertain significance. Last evaluated: 2024-03-18. Review status: criteria provided, single submitter. Criteria: Ambry Variant Classification Scheme 2023. Collection method: clinical testing. Allele origin: germline.
Comment: The p.C506Y variant (also known as c.1517G>A), located in coding exon 9 of the GALNT12 gene, results from a G to A substitution at nucleotide position 1517. The cysteine at codon 506 is replaced by tyrosine, an amino acid with highly dissimilar properties. This amino acid position is conserved. In addition, this alteration is predicted to be deleterious by in silico analysis. Since supporting evidence is limited at this time, the clinical significance of this alteration remains unclear.

Baylor Genetics
Classification: Uncertain significance for Colorectal cancer, susceptibility to, 1. Last evaluated: 2023-12-14. Review status: criteria provided, single submitter. Criteria: ACMG Guidelines, 2015. Collection method: clinical testing. Allele origin: unknown.

NM_024642.5(GALNT12):c.1517G>A (p.Cys506Tyr)

Gene: GALNT12 (polypeptide N-acetylgalactosaminyltransferase 12; plus strand). Cytogenetic location: 9q22.33.
Variant type: single nucleotide variant.
Coding change: c.1517G>A on transcript NM_024642.5 (MANE Select); coding-DNA position 1517, G replaced by A.
Protein change: p.Cys506Tyr; replaces cysteine 506 with tyrosine.
Molecular consequence: missense variant.
Genome position (GRCh38, 1-based): chr9:98,846,035, G>A. VCF-style: chr9-98846035-G-A. GRCh37 (hg19) VCF-style: chr9-101608317-G-A.
Other names: c.1517G>A (NM_024642.4); short protein forms C506Y.
Identifiers: ClinVar variation 3241669 (VCV003241669.2), dbSNP rs2118504921.